The following is an entry in ClinVar:

ClinVar aggregate classification (germline): Uncertain significance (1 of 4 stars; one submission).

gnomAD v4.1: 7 of 1,614,106 alleles (0.00043%); highest among the groups gnomAD compares: Non-Finnish European, 0.00059%; no homozygotes.

Submission:

Labcorp Genetics (formerly Invitae), Labcorp
Classification: Uncertain significance. Last evaluated: 2020-08-06. Review status: criteria provided, single submitter. Criteria: Invitae Variant Classification Sherloc (09022015). Collection method: clinical testing. Allele origin: germline.
Comment: Algorithms developed to predict the effect of missense changes on protein structure and function (SIFT, PolyPhen-2, Align-GVGD) all suggest that this variant is likely to be disruptive, but these predictions have not been confirmed by published functional studies and their clinical significance is uncertain. This variant has not been reported in the literature in individuals with SZT2-related conditions. This variant is not present in population databases (ExAC no frequency). This sequence change replaces arginine with proline at codon 2695 of the SZT2 protein (p.Arg2695Pro). The arginine residue is highly conserved and there is a moderate physicochemical difference between arginine and proline. In summary, the available evidence is currently insufficient to determine the role of this variant in disease. Therefore, it has been classified as a Variant of Uncertain Significance.

NM_001365999.1(SZT2):c.8255G>C (p.Arg2752Pro)

Gene: SZT2 (SZT2 subunit of KICSTOR complex; plus strand). Cytogenetic location: 1p34.2.
Variant type: single nucleotide variant.
Coding change: c.8255G>C on transcript NM_001365999.1 (MANE Select); coding-DNA position 8255, G replaced by C.
Protein change: p.Arg2752Pro; replaces arginine 2752 with proline.
Molecular consequence: missense variant.
Genome position (GRCh38, 1-based): chr1:43,442,922, G>C. VCF-style: chr1-43442922-G-C. GRCh37 (hg19) VCF-style: chr1-43908593-G-C.
Other names: c.8084G>C, p.Arg2695Pro (NM_015284.4); short protein forms R2695P, R2752P.
Identifiers: ClinVar variation 1053655 (VCV001053655.9), dbSNP rs150591561, ClinGen allele CA340038295.